The following is an entry in ClinVar:

NM_000209.4(PDX1):c.146C>G (p.Pro49Arg)

Gene: PDX1 (pancreatic and duodenal homeobox 1; plus strand). Cytogenetic location: 13q12.2.
Variant type: single nucleotide variant.
Coding change: c.146C>G on transcript NM_000209.4 (MANE Select); coding-DNA position 146, C replaced by G.
Protein change: p.Pro49Arg; replaces proline 49 with arginine.
Molecular consequence: missense variant.
Genome position (GRCh38, 1-based): chr13:27,920,284, C>G. VCF-style: chr13-27920284-C-G. GRCh37 (hg19) VCF-style: chr13-28494421-C-G.
Other names: short protein forms P49R.
Identifiers: ClinVar variation 3575833 (VCV003575833.3).

ClinVar aggregate classification (germline): Uncertain significance. Review status: criteria provided, multiple submitters, no conflicts (2 of 4 stars). 2 submissions from 2 submitters: Uncertain significance (2). Last evaluated 2024-04-25.

Conditions:
Type 2 diabetes mellitus. Also called: Type II diabetes mellitus. Identifiers: MedGen C0011860, MeSH D003924, MONDO:0005148, OMIM 125853, HP:0005978.
Maturity-onset diabetes of the young type 4 (MODY4). Also called: Maturity-onset diabetes of the young, type IV; MODY, type IV. Identifiers: Orphanet 552, MedGen C1833382, MONDO:0011667, OMIM 606392.
Pancreatic agenesis 1 (PAGEN1). Also called: PANCREATIC HYPOPLASIA, CONGENITAL. Identifiers: Orphanet 2805, MedGen C3891828, MONDO:0024547, OMIM 260370.

gnomAD v4.1: 40 of 1,539,986 alleles (0.0026%); highest among the groups gnomAD compares: Non-Finnish European, 0.0031%; no homozygotes.

Submissions (2):

Labcorp Genetics (formerly Invitae), Labcorp
Classification: Uncertain significance. Last evaluated: 2024-04-25. Review status: criteria provided, single submitter. Criteria: Invitae Variant Classification Sherloc (09022015). Collection method: clinical testing. Allele origin: germline.
Comment: This sequence change replaces proline, which is neutral and non-polar, with arginine, which is basic and polar, at codon 49 of the PDX1 protein (p.Pro49Arg). This variant is present in population databases (no rsID available, gnomAD 0.003%). This variant has not been reported in the literature in individuals affected with PDX1-related conditions. Advanced modeling of protein sequence and biophysical properties (such as structural, functional, and spatial information, amino acid conservation, physicochemical variation, residue mobility, and thermodynamic stability) performed at Invitae indicates that this missense variant is not expected to disrupt PDX1 protein function with a negative predictive value of 80%. In summary, the available evidence is currently insufficient to determine the role of this variant in disease. Therefore, it has been classified as a Variant of Uncertain Significance.

Fulgent Genetics
Classification: Uncertain significance for Type 2 diabetes mellitus; Pancreatic agenesis 1; Maturity-onset diabetes of the young type 4. Last evaluated: 2024-01-29. Review status: criteria provided, single submitter. Criteria: ACMG Guidelines, 2015. Collection method: clinical testing. Allele origin: germline.